The following is an entry in ClinVar:

NM_000059.4(BRCA2):c.4985_4992del (p.Tyr1661_Ser1662insTer)

Gene: BRCA2 (BRCA2 DNA repair associated; plus strand). Cytogenetic location: 13q13.1.
Variant type: Deletion.
Coding change: c.4985_4992del on transcript NM_000059.4 (MANE Select); coding-DNA positions 4985 to 4992, 8 bases deleted (CAGTCATT; older notation c.4985_4992delCAGTCATT).
Protein change: p.Tyr1661_Ser1662insTer.
Molecular consequence: nonsense. On other transcripts: non-coding transcript variant (1), intron variant (2).
Genome position (GRCh38, 1-based): chr13:32,339,340-32,339,347, CAGTCATT deleted; deleting any 8 consecutive bases within chr13:32,339,337-32,339,347 gives the same sequence; the c. name uses the placement nearest the transcript's 3' end. VCF-style (leftmost placement, unchanged base first): chr13-32339336-TATTCAGTC-T. GRCh37 (hg19) VCF-style: chr13-32913473-TATTCAGTC-T.
Other names: c.4985_4992del, p.Tyr1661_Ser1662insTer (NM_001406719.1, NM_001406720.1, NM_001432077.1); c.1910-5218_1910-5211del (NM_001406721.1); c.425-5218_425-5211del (NM_001406722.1).
Identifiers: ClinVar variation 3482052 (VCV003482052.1).

ClinVar aggregate classification (germline): Pathogenic (1 of 4 stars; one submission).

Conditions:
Hereditary cancer-predisposing syndrome. Also called: Tumor predisposition; Neoplastic Syndromes, Hereditary; Hereditary Cancer Syndrome; Hereditary neoplastic syndrome. Identifiers: Orphanet 140162, MedGen C0027672, MeSH D009386, MONDO:0015356.

Submission:

Ambry Genetics
Classification: Pathogenic for Hereditary cancer-predisposing syndrome. Last evaluated: 2024-08-05. Review status: criteria provided, single submitter. Criteria: Ambry Variant Classification Scheme 2023. Collection method: clinical testing. Allele origin: germline.
Comment: The c.4985_4992delCAGTCATT pathogenic mutation, located in coding exon 10 of the BRCA2 gene, results from a deletion of 8 nucleotides at nucleotide positions 4985 to 4992, causing a translational frameshift with a predicted alternate stop codon (p.S1662*). This variant is considered to be rare based on population cohorts in the Genome Aggregation Database (gnomAD). This alteration is expected to result in loss of function by premature protein truncation or nonsense-mediated mRNA decay. As such, this alteration is interpreted as a disease-causing mutation.